The following is an entry in ClinVar:

ClinVar aggregate classification (germline): Uncertain significance (1 of 4 stars; one submission).

Conditions:
RASopathy. Also called: Noonan spectrum disorder; rasopathies. Identifiers: Orphanet 536391, MedGen C5555857, MONDO:0021060.

Allele frequency attached by ClinVar (database versions not stated): gnomAD exomes below 0.00001; ExAC 0.00001.
gnomAD v4.1: 1 of 1,613,294 alleles (0.000062%); highest among the groups gnomAD compares: Non-Finnish European, 0.000085%; no homozygotes.

Submission:

Labcorp Genetics (formerly Invitae), Labcorp
Classification: Uncertain significance for RASopathy. Last evaluated: 2023-08-24. Review status: criteria provided, single submitter. Criteria: Invitae Variant Classification Sherloc (09022015). Collection method: clinical testing. Allele origin: germline.
Comment: In summary, the available evidence is currently insufficient to determine the role of this variant in disease. Therefore, it has been classified as a Variant of Uncertain Significance. Advanced modeling of protein sequence and biophysical properties (such as structural, functional, and spatial information, amino acid conservation, physicochemical variation, residue mobility, and thermodynamic stability) performed at Invitae indicates that this missense variant is expected to disrupt RAF1 protein function. This variant has not been reported in the literature in individuals affected with RAF1-related conditions. This variant is present in population databases (rs781637309, gnomAD 0.0009%). This sequence change replaces leucine, which is neutral and non-polar, with isoleucine, which is neutral and non-polar, at codon 480 of the RAF1 protein (p.Leu480Ile).

NM_002880.4(RAF1):c.1438T>A (p.Leu480Ile)

Gene: RAF1 (Raf-1 proto-oncogene, serine/threonine kinase; minus strand). Cytogenetic location: 3p25.2.
Variant type: single nucleotide variant.
Coding change: c.1438T>A on transcript NM_002880.4 (MANE Select); coding-DNA position 1438, T replaced by A.
Protein change: p.Leu480Ile; replaces leucine 480 with isoleucine.
Molecular consequence: missense variant. On other transcripts: non-coding transcript variant (3).
Genome position (GRCh38, 1-based): chr3:12,585,779, A>T on the plus strand (T>A on the coding strand, the complement: RAF1 is on the minus strand). VCF-style: chr3-12585779-A-T. GRCh37 (hg19) VCF-style: chr3-12627278-A-T.
Other names: c.1498T>A, p.Leu500Ile (NM_001354689.3); c.1438T>A, p.Leu480Ile (NM_001354690.3); c.1195T>A, p.Leu399Ile (NM_001354691.3, NM_001354692.3); c.1339T>A, p.Leu447Ile (NM_001354693.3); c.1255T>A, p.Leu419Ile (NM_001354694.3); c.1096T>A, p.Leu366Ile (NM_001354695.3); short protein forms L399I, L366I, L419I, L480I, L500I, L447I.
Identifiers: ClinVar variation 2910520 (VCV002910520.3), dbSNP rs781637309, ClinGen allele CA2259496.